The following is an entry in ClinVar:

ClinVar aggregate classification (germline): Likely benign. Review status: criteria provided, multiple submitters, no conflicts (2 of 4 stars). 4 submissions from 4 submitters: Likely benign (4). Last evaluated 2026-05-29.

Conditions:
CHD8-related disorder. Also called: CHD8-related condition; CHD8-related disorders.
Inborn genetic diseases. Identifiers: MedGen C0950123, MeSH D030342.

Allele frequency attached by ClinVar (database versions not stated): gnomAD 0.00004; TOPMed 0.00004; ESP Exome Variant Server 0.00008; gnomAD exomes 0.00012; ExAC 0.00015; 1000 Genomes Project 30x 0.00016; 1000 Genomes Project 0.00020.
gnomAD v4.1: 184 of 1,612,334 alleles (0.011%); highest among the groups gnomAD compares: South Asian, 0.023%; no homozygotes.

Submissions (4):

PreventionGenetics, part of Exact Sciences
Classification: Likely benign for CHD8-related condition. Last evaluated: 2026-05-29. Review status: criteria provided, single submitter. Criteria: ACMG Guidelines, 2015. Collection method: clinical testing. Allele origin: germline.
Comment: This variant is classified as likely benign based on ACMG/AMP sequence variant interpretation guidelines (Richards et al. 2015 PMID: 25741868, with internal and published modifications).

Labcorp Genetics (formerly Invitae), Labcorp
Classification: Likely benign. Last evaluated: 2025-06-18. Review status: criteria provided, single submitter. Criteria: Invitae Variant Classification Sherloc (09022015). Collection method: clinical testing. Allele origin: germline.

CeGaT Center for Human Genetics Tuebingen
Classification: Likely benign. Last evaluated: 2024-12-01. Review status: criteria provided, single submitter. Criteria: CeGaT Center For Human Genetics Tuebingen Variant Classification Criteria Version 2. Collection method: clinical testing. Allele origin: germline. Affected: yes. Observed: 1 variant allele.
Comment: CHD8: PP2, BS2

Ambry Genetics
Classification: Likely benign for Inborn genetic diseases. Last evaluated: 2021-08-02. Review status: criteria provided, single submitter. Criteria: Ambry Variant Classification Scheme 2023. Collection method: clinical testing. Allele origin: germline.

NM_001170629.2(CHD8):c.4808C>T (p.Ala1603Val)

Gene: CHD8 (chromodomain helicase DNA binding protein 8; minus strand). Cytogenetic location: 14q11.2.
Variant type: single nucleotide variant.
Coding change: c.4808C>T on transcript NM_001170629.2 (MANE Select); coding-DNA position 4808, C replaced by T.
Protein change: p.Ala1603Val; replaces alanine 1603 with valine.
Molecular consequence: missense variant.
Genome position (GRCh38, 1-based): chr14:21,399,990, G>A on the plus strand (C>T on the coding strand, the complement: CHD8 is on the minus strand). VCF-style: chr14-21399990-G-A. GRCh37 (hg19) VCF-style: chr14-21868149-G-A.
Other names: c.3971C>T, p.Ala1324Val (NM_020920.4); c.4808C>T (NM_001170629.1); short protein forms A1603V, A1324V.
Identifiers: ClinVar variation 2176702 (VCV002176702.19), dbSNP rs184185033, ClinGen allele CA7091146.